The following is an entry in ClinVar:

NM_000535.7(PMS2):c.-4A>G

Gene: PMS2 (PMS1 homolog 2, mismatch repair system component; minus strand). Cytogenetic location: 7p22.1.
Variant type: single nucleotide variant.
Coding change: c.-4A>G on transcript NM_000535.7 (MANE Select); 4 bases upstream of the start codon, A replaced by G.
Molecular consequence: 5 prime UTR variant. On other transcripts: non-coding transcript variant (1).
Genome position (GRCh38, 1-based): chr7:6,009,023, T>C on the plus strand (A>G on the coding strand, the complement: PMS2 is on the minus strand). VCF-style: chr7-6009023-T-C. GRCh37 (hg19) VCF-style: chr7-6048654-T-C.
Other names: c.-404A>G (NM_001322003.2, NM_001322013.2); c.-269A>G (NM_001322004.2, NM_001322010.2); c.-599A>G (NM_001322005.2); c.-4A>G (NM_001322006.2, NM_001322014.2); c.-219A>G (NM_001322007.2); c.-79A>G (NM_001322008.2); c.-594A>G (NM_001322009.2); c.-888A>G (NM_001322011.2); and 2 more.
Identifiers: ClinVar variation 186903 (VCV000186903.21), dbSNP rs544503598, ClinGen allele CA012197.

ClinVar aggregate classification (germline): Conflicting classifications of pathogenicity. Review status: criteria provided, conflicting classifications (1 of 4 stars). 9 submissions from 9 submitters: Uncertain significance (4); Likely benign (5). Last evaluated 2026-09-02.

Conditions:
PMS2-related disorder. Also called: PMS2-related condition.
Hereditary cancer-predisposing syndrome. Also called: Neoplastic Syndromes, Hereditary; Tumor predisposition; Hereditary neoplastic syndrome; Hereditary Cancer Syndrome. Identifiers: Orphanet 140162, MedGen C0027672, MeSH D009386, MONDO:0015356.
Lynch syndrome. Identifiers: Orphanet 144, MedGen C4552100, MONDO:0005835. Disease mechanism: loss of function.
Lynch syndrome 4 (LYNCH4). Also called: Colorectal cancer, hereditary nonpolyposis, type 4; Hereditary non-polyposis colorectal cancer, type 4. Identifiers: Orphanet 144, MedGen C1838333, MONDO:0013699, OMIM 614337. Disease mechanism: loss of function.

Allele frequency attached by ClinVar (database versions not stated): TOPMed 0.00001; gnomAD exomes 0.00002 and 0.00006; ExAC 0.00004; gnomAD 0.00005; 1000 Genomes Project 30x 0.00016; 1000 Genomes Project 0.00020.

Submissions (9):

PreventionGenetics, part of Exact Sciences
Classification: Likely benign for PMS2-related condition. Last evaluated: 2026-09-02. Review status: criteria provided, single submitter. Criteria: ACMG Guidelines, 2015. Collection method: clinical testing. Allele origin: germline.
Comment: This variant is classified as likely benign based on ACMG/AMP sequence variant interpretation guidelines (Richards et al. 2015 PMID: 25741868, with internal and published modifications).

Quest Diagnostics Nichols Institute San Juan Capistrano
Classification: Uncertain significance. Last evaluated: 2025-10-16. Review status: criteria provided, single submitter. Criteria: Quest Diagnostics criteria. Collection method: clinical testing. Allele origin: unknown.
Comment: The PMS2 c.-4A>G variant has not been reported in individuals with PMS2-related conditions in the published literature. The frequency of this variant in the general population (Genome Aggregation Database) is uninformative in the assessment of its pathogenicity. Based on the available information, we are unable to determine the clinical significance of this variant.

Ambry Genetics
Classification: Uncertain significance for Hereditary cancer-predisposing syndrome. Last evaluated: 2025-05-22. Review status: criteria provided, single submitter. Criteria: Ambry Variant Classification Scheme 2023. Collection method: clinical testing. Allele origin: germline.
Comment: The c.-4A>G variant is located in the 5' untranslated region (5&rsquo; UTR) of the PMS2 gene. This variant results from an A to G substitution 4 bases upstream from the first translated codon. This nucleotide position is well conserved in available vertebrate species. Based on the available evidence, the clinical significance of this variant remains unclear.

Blueprint Genetics
Classification: Likely benign. Last evaluated: 2024-08-29. Review status: criteria provided, single submitter. Criteria: ACMG Guidelines, 2015. Collection method: clinical testing. Allele origin: germline.

All of Us Research Program, National Institutes of Health
Classification: Likely benign for Lynch syndrome. Last evaluated: 2023-12-13. Review status: criteria provided, single submitter. Criteria: ACMG Guidelines, 2015. Collection method: clinical testing. Allele origin: germline. Inheritance: Autosomal dominant inheritance. Observed: 5 variant alleles, 5 heterozygotes.
Comment: This study involves interpretation of variants in research participants for the purpose of population health screening. Participant phenotype was not available at the time of variant classification. Additional details can be found in publication PMID: 35346344, PMCID: PMC8962531

GeneDx
Classification: Likely benign. Last evaluated: 2022-09-20. Review status: criteria provided, single submitter. Criteria: GeneDx Variant Classification Process June 2021. Collection method: clinical testing. Allele origin: germline. Affected: yes.
Comment: See Variant Classification Assertion Criteria.

Department of Pathology and Laboratory Medicine, Sinai Health System
Classification: Uncertain significance for Lynch syndrome. Last evaluated: 2022-09-14. Review status: criteria provided, single submitter. Criteria: ACMG Guidelines, 2015. Collection method: clinical testing. Allele origin: germline. Affected: yes.

Illumina Laboratory Services, Illumina
Classification: Uncertain significance for Lynch syndrome 4. Last evaluated: 2018-01-13. Review status: criteria provided, single submitter. Criteria: ICSL Variant Classification Criteria 13 December 2019. Collection method: clinical testing. Allele origin: germline.

Color Diagnostics, LLC DBA Color Health
Classification: Likely benign for Hereditary cancer-predisposing syndrome. Last evaluated: 2017-06-02. Review status: criteria provided, single submitter. Criteria: ACMG Guidelines, 2015. Collection method: clinical testing. Allele origin: germline.